The following is an entry in ClinVar:

ClinVar aggregate classification (germline): Uncertain significance. Review status: criteria provided, multiple submitters, no conflicts (2 of 4 stars). 3 submissions from 3 submitters: Uncertain significance (3). Last evaluated 2025-08-25.

Conditions:
Deficiency of alpha-mannosidase (MANSA). Also called: Alpha-Mannosidosis; Mannosidosis, alpha-, types I and II; LYSOSOMAL ALPHA-D-MANNOSIDASE DEFICIENCY. Identifiers: Orphanet 61, MedGen C0024748, MONDO:0009561, OMIM 248500.
Inborn genetic diseases. Identifiers: MedGen C0950123, MeSH D030342.

Allele frequency attached by ClinVar (database versions not stated): ExAC 0.00001; gnomAD 0.00001; TOPMed 0.00001; gnomAD exomes 0.00002; ESP Exome Variant Server 0.00008.
gnomAD v4.1: 26 of 1,614,040 alleles (0.0016%); highest among the groups gnomAD compares: Admixed American, 0.0067%; no homozygotes.

Submissions (3):

Ambry Genetics
Classification: Uncertain significance for Inborn genetic diseases. Last evaluated: 2025-08-25. Review status: criteria provided, single submitter. Criteria: Ambry Variant Classification Scheme 2023. Collection method: clinical testing. Allele origin: germline.

Mayo Clinic Laboratories, Mayo Clinic
Classification: Uncertain significance. Last evaluated: 2024-07-17. Review status: criteria provided, single submitter. Criteria: ACMG Guidelines, 2015. Collection method: clinical testing. Allele origin: germline. Observed: 1 variant allele.
Comment: BP4

Labcorp Genetics (formerly Invitae), Labcorp
Classification: Uncertain significance for Deficiency of alpha-mannosidase. Last evaluated: 2022-07-07. Review status: criteria provided, single submitter. Criteria: Invitae Variant Classification Sherloc (09022015). Collection method: clinical testing. Allele origin: germline.
Comment: This sequence change replaces threonine, which is neutral and polar, with isoleucine, which is neutral and non-polar, at codon 949 of the MAN2B1 protein (p.Thr949Ile). This variant is present in population databases (rs377567861, gnomAD 0.009%). This variant has not been reported in the literature in individuals affected with MAN2B1-related conditions. ClinVar contains an entry for this variant (Variation ID: 1437700). Algorithms developed to predict the effect of missense changes on protein structure and function (SIFT, PolyPhen-2, Align-GVGD) all suggest that this variant is likely to be tolerated. In summary, the available evidence is currently insufficient to determine the role of this variant in disease. Therefore, it has been classified as a Variant of Uncertain Significance.

NM_000528.4(MAN2B1):c.2846C>T (p.Thr949Ile)

Gene: MAN2B1 (mannosidase alpha class 2B member 1; minus strand). Cytogenetic location: 19p13.13.
Variant type: single nucleotide variant.
Coding change: c.2846C>T on transcript NM_000528.4 (MANE Select); coding-DNA position 2846, C replaced by T.
Protein change: p.Thr949Ile; replaces threonine 949 with isoleucine.
Molecular consequence: missense variant.
Genome position (GRCh38, 1-based): chr19:12,647,310, G>A on the plus strand (C>T on the coding strand, the complement: MAN2B1 is on the minus strand). VCF-style: chr19-12647310-G-A. GRCh37 (hg19) VCF-style: chr19-12758124-G-A.
Other names: p.Thr949Ile; c.2846C>T (NM_000528.3); c.2843C>T, p.Thr948Ile (NM_001173498.2); short protein forms T948I, T949I.
Identifiers: ClinVar variation 1437700 (VCV001437700.7), dbSNP rs377567861, ClinGen allele CA9225896.
Genomic context (GRCh38, chr19:12,647,310, plus strand): 5'-TTGAGCCTGGAGGCTGCCTCGCGGAGCTGGTTGGCCACCAGCGTGGTCTCCTGCAGGCGG[G>A]TGATGGTGAAGGTGGAGAACAGGTCCTGCGGGGAAGGGGATGGGCCCAGATGAGTTGGGG-3'
Protein context (NP_000519.2, residues 939-959): LRDLFSTFTI[Thr949Ile]RLQETTLVAN